The following is an entry in ClinVar:

ClinVar aggregate classification (germline): Uncertain significance (1 of 4 stars; one submission).

Submission:

Labcorp Genetics (formerly Invitae), Labcorp
Classification: Uncertain significance. Last evaluated: 2021-12-27. Review status: criteria provided, single submitter. Criteria: Invitae Variant Classification Sherloc (09022015). Collection method: clinical testing. Allele origin: germline.
Comment: This variant has not been reported in the literature in individuals affected with AP2M1-related conditions. This variant is not present in population databases (gnomAD no frequency). This sequence change replaces glutamine, which is neutral and polar, with arginine, which is basic and polar, at codon 154 of the AP2M1 protein (p.Gln154Arg). Algorithms developed to predict the effect of missense changes on protein structure and function are either unavailable or do not agree on the potential impact of this missense change (SIFT: "Tolerated"; PolyPhen-2: "Possibly Damaging"; Align-GVGD: "Class C0"). In summary, the available evidence is currently insufficient to determine the role of this variant in disease. Therefore, it has been classified as a Variant of Uncertain Significance.

NM_004068.4(AP2M1):c.461A>G (p.Gln154Arg)

Gene: AP2M1 (adaptor related protein complex 2 subunit mu 1; plus strand). Cytogenetic location: 3q27.1.
Variant type: single nucleotide variant.
Coding change: c.461A>G on transcript NM_004068.4 (MANE Select); coding-DNA position 461, A replaced by G.
Protein change: p.Gln154Arg; replaces glutamine 154 with arginine.
Molecular consequence: missense variant.
Genome position (GRCh38, 1-based): chr3:184,180,880, A>G. VCF-style: chr3-184180880-A-G. GRCh37 (hg19) VCF-style: chr3-183898668-A-G.
Other names: c.455A>G, p.Gln152Arg (NM_001025205.2); c.536A>G, p.Gln179Arg (NM_001311198.2); short protein forms Q152R, Q154R, Q179R.
Identifiers: ClinVar variation 2062387 (VCV002062387.4), dbSNP rs2473723507, ClinGen allele CA355424042.